The following is an entry in ClinVar:

ClinVar aggregate classification (germline): Pathogenic. Review status: criteria provided, single submitter (1 of 4 stars). 2 submissions from 2 submitters: Pathogenic (1). 1 of the submissions does not count toward it. Last evaluated 2014-01-01.

Conditions:
DOORS syndrome (DOORS). Also called: DRC SYNDROME; BRACHYDACTYLY DUE TO ABSENCE OF DISTAL PHALANGES; ERONEN SYNDROME; Digitorenocerebral syndrome; DEAFNESS, ONYCHODYSTROPHY, OSTEODYSTROPHY, IMPAIRED INTELLECTUAL DEVELOPMENT, AND SEIZURES SYNDROME; DOORS Syndrome (Deafness, Onychodystrophy, Osteodystrophy, Mental Retardation, and Seizures). Identifiers: Orphanet 3231, Orphanet 79500, MedGen C0795934, MONDO:0009079, OMIM 220500. Disease mechanism: loss of function.

Submissions (2):

Lupski Lab, Baylor-Hopkins CMG, Baylor College of Medicine
Classification: Pathogenic for DOORS syndrome. Last evaluated: 2014-01-01. Review status: criteria provided, single submitter. Criteria: Campeau et al. (Lancet Neurol 2014). Collection method: research. Allele origin: germline. Inheritance: Autosomal recessive inheritance. Affected: yes and no. Observed: 3 variant alleles, 1 heterozygote, 2 compound heterozygotes. Clinical features observed: Bilateral sensorineural hearing impairment (HP:0008619), Seizures (HP:0001250), Intellectual disability (HP:0001249), Abnormality of brain morphology (HP:0012443), Abnormality of the nail (HP:0001597), Triphalangeal thumb (HP:0001199), Abnormality of digit (HP:0011297), Abnormality of the skull (HP:0000929).
Comment: We identified 26 families with DOORS syndrome; each patient had at least 3 of the 5 well-described features of DOORS syndrome, which include deafness, onychodystrophy, osteodystrophy, intellectual disability, and seizures. A combination of whole-exome sequencing and Sanger sequencing identified homozygous or compound heterozygous pathogenic variants in TBC1D24 in 11 individuals from 9 families.

OMIM
Classification: Pathogenic for DEAFNESS, ONYCHODYSTROPHY, OSTEODYSTROPHY, IMPAIRED INTELLECTUAL DEVELOPMENT, AND SEIZURES SYNDROME. Last evaluated: 2014-01-01. Review status: no assertion criteria provided. Collection method: literature only. Allele origin: germline. Not counted in ClinVar's aggregate classification.

Literature cited by the submitters: PubMed 25169651 (cited by Lupski Lab, Baylor-Hopkins CMG, Baylor College of Medicine); PubMed 25719194 (cited by Lupski Lab, Baylor-Hopkins CMG, Baylor College of Medicine); PubMed 24291220 (cited by OMIM).

NM_001199107.2(TBC1D24):c.58C>G (p.Gln20Glu)

Gene: TBC1D24 (TBC1 domain family member 24; plus strand). Cytogenetic location: 16p13.3.
Variant type: single nucleotide variant.
Coding change: c.58C>G on transcript NM_001199107.2 (MANE Select); coding-DNA position 58, C replaced by G.
Protein change: p.Gln20Glu; replaces glutamine 20 with glutamic acid.
Molecular consequence: missense variant.
Genome position (GRCh38, 1-based): chr16:2,496,206, C>G. VCF-style: chr16-2496206-C-G. GRCh37 (hg19) VCF-style: chr16-2546207-C-G.
Other names: c.58C>G, p.Gln20Glu (NM_020705.3); short protein forms Q20E.
Identifiers: ClinVar variation 91397 (VCV000091397.4), dbSNP rs201257588, ClinGen allele CA266220.